The following is an entry in ClinVar:

NM_031407.7(HUWE1):c.11764C>G (p.Pro3922Ala)

Gene: HUWE1 (HECT, UBA and WWE domain containing E3 ubiquitin protein ligase 1; minus strand). Cytogenetic location: Xp11.22.
Variant type: single nucleotide variant.
Coding change: c.11764C>G on transcript NM_031407.7 (MANE Select); coding-DNA position 11764, C replaced by G.
Protein change: p.Pro3922Ala; replaces proline 3922 with alanine.
Molecular consequence: missense variant.
Genome position (GRCh38, 1-based): chrX:53,538,949, G>C on the plus strand (C>G on the coding strand, the complement: HUWE1 is on the minus strand). VCF-style: chrX-53538949-G-C. GRCh37 (hg19) VCF-style: chrX-53565910-G-C.
Other names: c.11716C>G, p.Pro3906Ala (NM_001441048.1, NM_001441053.1, NM_001441058.1); c.11719C>G, p.Pro3907Ala (NM_001441049.1, NM_001441054.1); c.11740C>G, p.Pro3914Ala (NM_001441050.1, NM_001441055.1); c.11761C>G, p.Pro3921Ala (NM_001441051.1, NM_001441056.1); c.11362C>G, p.Pro3788Ala (NM_001441052.1); c.11764C>G, p.Pro3922Ala (NM_001441057.1); short protein forms P3788A, P3906A, P3907A, P3914A, P3921A, P3922A.
Identifiers: ClinVar variation 5017342 (VCV005017342.1).

ClinVar aggregate classification (germline): Uncertain significance (1 of 4 stars; one submission).

Submission:

GeneDx
Classification: Uncertain significance. Last evaluated: 2026-03-24. Review status: criteria provided, single submitter. Criteria: GeneDx Variant Classification Process June 2021. Collection method: clinical testing. Allele origin: germline.
Comment: Not observed at significant frequency in large population cohorts (gnomAD); In silico analysis supports that this missense variant has a deleterious effect on protein structure/function; Has not been previously published as pathogenic or benign to our knowledge